The following is an entry in ClinVar:

NM_001844.5(COL2A1):c.2295C>T (p.Gly765=)

Gene: COL2A1 (collagen type II alpha 1 chain; minus strand). Cytogenetic location: 12q13.11.
Variant type: single nucleotide variant.
Coding change: c.2295C>T on transcript NM_001844.5 (MANE Select); coding-DNA position 2295, C replaced by T.
Protein change: p.Gly765=; no amino-acid change (glycine 765 retained).
Molecular consequence: synonymous variant.
Genome position (GRCh38, 1-based): chr12:47,982,508, G>A on the plus strand (C>T on the coding strand, the complement: COL2A1 is on the minus strand). VCF-style: chr12-47982508-G-A. GRCh37 (hg19) VCF-style: chr12-48376291-G-A.
Other names: p.Gly765=; c.2088C>T, p.Gly696= (NM_033150.3).
Identifiers: ClinVar variation 258225 (VCV000258225.25), dbSNP rs2276454, ClinGen allele CA6535165.

ClinVar aggregate classification (germline): Benign. Review status: criteria provided, multiple submitters, no conflicts (2 of 4 stars). 13 submissions from 12 submitters: Benign (9). 4 of the submissions do not count toward it. Last evaluated 2026-05-13.

Conditions:
Type 2 collagenopathy. Identifiers: Orphanet 93421, MedGen C2931073, MONDO:0022800.
Stickler syndrome type 1 (STL1). Also called: STICKLER SYNDROME, MEMBRANOUS VITREOUS TYPE; STICKLER SYNDROME, VITREOUS TYPE 1; ARTHROOPHTHALMOPATHY, HEREDITARY PROGRESSIVE; COL2A1-Related Stickler Syndrome. Identifiers: Orphanet 828, Orphanet 90653, MedGen C2020284, MONDO:0007160, OMIM 108300.

Allele frequency attached by ClinVar (database versions not stated): gnomAD 0.37692 and 0.38413; TOPMed 0.38225; ESP Exome Variant Server 0.38682; gnomAD exomes 0.39020 and 0.40310; ExAC 0.39583; 1000 Genomes Project 30x 0.42536; 1000 Genomes Project 0.42971.
gnomAD v4.1: 647,008 of 1,609,760 alleles (40%); highest among the groups gnomAD compares: East Asian, 57%; 133,151 homozygotes.

Submissions (13):

Women's Health and Genetics/Laboratory Corporation of America, LabCorp
Classification: Benign. Last evaluated: 2026-05-13. Review status: criteria provided, single submitter. Criteria: LabCorp Variant Classification Summary - May 2015. Collection method: clinical testing. Allele origin: germline.
Comment: Variant summary: COL2A1 c.2295C>T alters a conserved nucleotide resulting in a synonymous change. The variant allele was found at a frequency of 0.39 in 248278 control chromosomes in the gnomAD database, including 20075 homozygotes. The observed variant frequency exceeds the estimated maximal expected allele frequency for disease-causing variants in COL2A1. ClinVar contains an entry for this variant (Variation ID: 258225). Based on the evidence outlined above, the variant was classified as benign.

Labcorp Genetics (formerly Invitae), Labcorp
Classification: Benign. Last evaluated: 2026-02-04. Review status: criteria provided, single submitter. Criteria: Invitae Variant Classification Sherloc (09022015). Collection method: clinical testing. Allele origin: germline.

Blueprint Genetics
Classification: Benign. Last evaluated: 2024-11-27. Review status: criteria provided, single submitter. Criteria: ACMG Guidelines, 2015. Collection method: clinical testing. Allele origin: germline.

Mayo Clinic Laboratories, Mayo Clinic
Classification: Benign. Last evaluated: 2021-04-07. Review status: criteria provided, single submitter. Criteria: ACMG Guidelines, 2015. Collection method: clinical testing. Allele origin: germline. Observed: 109 variant alleles.

Illumina Laboratory Services, Illumina
Classification: Benign for Stickler syndrome type 1. Last evaluated: 2018-01-13. Review status: criteria provided, single submitter. Criteria: ICSL Variant Classification Criteria 13 December 2019. Collection method: clinical testing. Allele origin: germline.
Comment: This variant was observed in the ICSL laboratory as part of a predisposition screen in an ostensibly healthy population. It had not been previously curated by ICSL or reported in the Human Gene Mutation Database (HGMD: prior to June 1st, 2018), and was therefore a candidate for classification through an automated scoring system. Utilizing variant allele frequency, disease prevalence and penetrance estimates, and inheritance mode, an automated score was calculated to assess if this variant is too frequent to cause the disease. Based on the score and internal cut-off values, a variant classified as benign is not then subjected to further curation. The score for this variant resulted in a classification of benign for this disease.

Illumina Laboratory Services, Illumina
Classification: Benign for Type II Collagenopathies. Last evaluated: 2018-01-13. Review status: criteria provided, single submitter. Criteria: ICSL Variant Classification Criteria 13 December 2019. Collection method: clinical testing. Allele origin: germline.
Comment: the same text as in the submission from Illumina Laboratory Services, Illumina above.

GeneDx
Classification: Benign. Last evaluated: 2016-03-03. Review status: criteria provided, single submitter. Criteria: GeneDx Variant Classification (06012015). Collection method: clinical testing. Allele origin: germline. Affected: yes.
Comment: This variant is considered likely benign or benign based on one or more of the following criteria: it is a conservative change, it occurs at a poorly conserved position in the protein, it is predicted to be benign by multiple in silico algorithms, and/or has population frequency not consistent with disease.

Breakthrough Genomics
Classification: Benign. Review status: criteria provided, single submitter. Criteria: ACMG Guidelines, 2015. Collection method: not provided. Allele origin: germline. Inheritance: Autosomal dominant inheritance. Affected: yes.

PreventionGenetics, part of Exact Sciences
Classification: Benign. Review status: criteria provided, single submitter. Criteria: ACMG Guidelines, 2015. Collection method: clinical testing. Allele origin: germline.

Clinical Genetics DNA and cytogenetics Diagnostics Lab, Erasmus MC, Erasmus Medical Center
Classification: Benign. Review status: no assertion criteria provided. Collection method: clinical testing. Allele origin: germline. Affected: yes. Study: VKGL Data-share Consensus. Not counted in ClinVar's aggregate classification.

Diagnostic Laboratory, Department of Genetics, University Medical Center Groningen
Classification: Benign. Review status: no assertion criteria provided. Collection method: clinical testing. Allele origin: germline. Affected: yes. Study: VKGL Data-share Consensus. Not counted in ClinVar's aggregate classification.

Genome Diagnostics Laboratory, Amsterdam University Medical Center
Classification: Benign. Review status: no assertion criteria provided. Collection method: clinical testing. Allele origin: germline. Affected: yes. Study: VKGL Data-share Consensus. Not counted in ClinVar's aggregate classification.

Joint Genome Diagnostic Labs from Nijmegen and Maastricht, Radboudumc and MUMC+
Classification: Benign. Review status: no assertion criteria provided. Collection method: clinical testing. Allele origin: germline. Affected: yes. Study: VKGL Data-share Consensus. Not counted in ClinVar's aggregate classification.